The following is an entry in ClinVar:

ClinVar aggregate classification (germline): Pathogenic (1 of 4 stars; one submission).

Conditions:
Developmental and epileptic encephalopathy, 11 (DEE11). Also called: Early infantile epileptic encephalopathy 11. Identifiers: Orphanet 1934, MedGen C3150987, MONDO:0013388, OMIM 613721.
Seizures, benign familial infantile, 3 (BFIS3). Also called: CONVULSIONS, BENIGN FAMILIAL INFANTILE, 3; Familial neonatal seizures. Identifiers: Orphanet 140927, Orphanet 306, MedGen C1843140, MONDO:0011904, OMIM 607745.

Submission:

Labcorp Genetics (formerly Invitae), Labcorp
Classification: Pathogenic for Seizures, benign familial infantile, 3; Developmental and epileptic encephalopathy, 11. Last evaluated: 2018-10-04. Review status: criteria provided, single submitter. Criteria: Invitae Variant Classification Sherloc (09022015). Collection method: clinical testing. Allele origin: germline.
Comment: This sequence change results in a premature translational stop signal in the SCN2A gene (p.Ile1772Metfs*19). While this is not anticipated to result in nonsense mediated decay, it is expected to disrupt the last 234 amino acids of the SCN2A protein. This variant is not present in population databases (ExAC no frequency). This variant has been observed to be de novo in an individual affected with clinical features of SCN2A-related disease (Invitae). Experimental studies and prediction algorithms are not available for this variant, and the functional significance of the affected amino acid(s) is currently unknown. For these reasons, this variant has been classified as Pathogenic.

NM_001040142.2(SCN2A):c.5316del (p.Ile1772fs)

Gene: SCN2A (sodium voltage-gated channel alpha subunit 2; plus strand). Cytogenetic location: 2q24.3.
Variant type: Deletion.
Coding change: c.5316del on transcript NM_001040142.2 (MANE Select); coding-DNA position 5316, one base deleted (C; older notation c.5316delC).
Protein change: p.Ile1772fs; shifts the reading frame from isoleucine 1772.
Molecular consequence: frameshift variant.
Genome position (GRCh38, 1-based): chr2:165,389,122, C deleted. VCF-style (leftmost placement, unchanged base first): chr2-165389121-TC-T. GRCh37 (hg19) VCF-style: chr2-166245631-TC-T.
Other names: c.5316del, p.Ile1772fs (NM_001040143.2, NM_001371246.1, NM_001371247.1 and 1 more transcripts); c.5316delC (NM_021007.2); short protein forms I1772fs.
Identifiers: ClinVar variation 575820 (VCV000575820.10), dbSNP rs1558886168, ClinGen allele CA891842502.
Genomic context (GRCh38, chr2:165,389,121, plus strand): 5'-GGATTTTCTTTTTTGTCAGTTACATCATCATATCCTTCCTGGTTGTGGTGAACATGTACA[TC>T]GCGGTCATCCTGGAGAACTTCAGTGTTGCTACTGAAGAAAGTGCAGAGCCTCTGAGTGAG-3'